The following is an entry in ClinVar:

ClinVar aggregate classification (germline): Uncertain significance (1 of 4 stars; one submission).

Conditions:
Age related macular degeneration 4. Identifiers: MedGen C1853147, MONDO:0012540, OMIM 610698.

Submission:

Genomenon, Inc
Classification: Uncertain significance for Age related macular degeneration 4. Last evaluated: 2026-09-17. Review status: criteria provided, single submitter. Criteria: Genomenon Sequence Variant Interpretation Standards - Updated. Collection method: curation. Allele origin: germline. Affected: yes.
Comment: CFH p.Trp71Arg (c.211T>A) is a missense variant that changes the amino acid at codon 71 from tryptophan to arginine. This variant has been observed in at least one proband affected with age-related macular degeneration (PMID: 29888403). Functional studies have been reported (PMID: 34508573). It is absent or not present at a significant frequency in gnomAD. In silico models predict that this variant is possibly or probably damaging. In conclusion, we classify CFH p.Trp71Arg (c.211T>A) as a variant of uncertain significance.

Literature cited by the submitters: PubMed 29888403; PubMed 34508573.

NM_000186.4(CFH):c.211T>A (p.Trp71Arg)

Gene: CFH (complement factor H; plus strand). Cytogenetic location: 1q31.3.
Variant type: single nucleotide variant.
Coding change: c.211T>A on transcript NM_000186.4 (MANE Select); coding-DNA position 211, T replaced by A.
Protein change: p.Trp71Arg; replaces tryptophan 71 with arginine.
Molecular consequence: missense variant.
Genome position (GRCh38, 1-based): chr1:196,673,130, T>A. VCF-style: chr1-196673130-T-A. GRCh37 (hg19) VCF-style: chr1-196642260-T-A.
Other names: c.211T>A, p.Trp71Arg (NM_001014975.3); short protein forms W71R.
Identifiers: ClinVar variation 4291480 (VCV004291480.2).